The following is an entry in ClinVar:

ClinVar aggregate classification (germline): Uncertain significance. Review status: criteria provided, multiple submitters, no conflicts (2 of 4 stars). 3 submissions from 3 submitters: Uncertain significance (3). Last evaluated 2026-01-08.

Conditions:
Familial melanoma. Also called: Hereditary melanoma; Hereditary cutaneous melanoma. Identifiers: Orphanet 618, MedGen C1512419, MONDO:0018961.
Hereditary cancer-predisposing syndrome. Also called: Tumor predisposition; Hereditary Cancer Syndrome; Neoplastic Syndromes, Hereditary; Hereditary neoplastic syndrome. Identifiers: Orphanet 140162, MedGen C0027672, MeSH D009386, MONDO:0015356.

Allele frequency attached by ClinVar (database versions not stated): gnomAD exomes below 0.00001 and 0.00002; TOPMed below 0.00001; gnomAD 0.00001; ExAC 0.00002.

Submissions (3):

Labcorp Genetics (formerly Invitae), Labcorp
Classification: Uncertain significance for Familial melanoma. Last evaluated: 2026-01-08. Review status: criteria provided, single submitter. Criteria: Invitae Variant Classification Sherloc (09022015). Collection method: clinical testing. Allele origin: germline.
Comment: This sequence change replaces arginine, which is basic and polar, with histidine, which is basic and polar, at codon 246 of the CDK4 protein (p.Arg246His). This variant is present in population databases (rs372604524, gnomAD 0.01%). This variant has not been reported in the literature in individuals affected with CDK4-related conditions. ClinVar contains an entry for this variant (Variation ID: 485485). Invitae Evidence Modeling of protein sequence and biophysical properties (such as structural, functional, and spatial information, amino acid conservation, physicochemical variation, residue mobility, and thermodynamic stability) indicates that this missense variant is not expected to disrupt CDK4 protein function with a negative predictive value of 95%. In summary, the available evidence is currently insufficient to determine the role of this variant in disease. Therefore, it has been classified as a Variant of Uncertain Significance.

Ambry Genetics
Classification: Uncertain significance for Hereditary cancer-predisposing syndrome. Last evaluated: 2025-07-20. Review status: criteria provided, single submitter. Criteria: Ambry Variant Classification Scheme 2023. Collection method: clinical testing. Allele origin: germline.
Comment: The p.R246H variant (also known as c.737G>A), located in coding exon 6 of the CDK4 gene, results from a G to A substitution at nucleotide position 737. The arginine at codon 246 is replaced by histidine, an amino acid with highly similar properties. This amino acid position is well conserved in available vertebrate species. In addition, this alteration is predicted to be tolerated by in silico analysis. Since supporting evidence is limited at this time, the clinical significance of this alteration remains unclear.

Blueprint Genetics
Classification: Uncertain significance. Last evaluated: 2024-11-19. Review status: criteria provided, single submitter. Criteria: ACMG Guidelines, 2015. Collection method: clinical testing. Allele origin: germline.

Literature cited by the submitters: PubMed 26252490 (cited by Ambry Genetics).

NM_000075.4(CDK4):c.737G>A (p.Arg246His)

Genes: CDK4 (cyclin dependent kinase 4; minus strand), TSPAN31 (tetraspanin 31; plus strand). Cytogenetic location: 12q14.1.
Variant type: single nucleotide variant.
Coding change: c.737G>A on transcript NM_000075.4 (MANE Select); coding-DNA position 737, G replaced by A.
Protein change: p.Arg246His; replaces arginine 246 with histidine.
Molecular consequence: missense variant. On other transcripts: 3 prime UTR variant (3).
Genome position (GRCh38, 1-based): chr12:57,749,264, C>T on the plus strand (G>A on the coding strand, the complement: CDK4 is on the minus strand). VCF-style: chr12-57749264-C-T. GRCh37 (hg19) VCF-style: chr12-58143047-C-T.
Other names: c.*1974C>T (NM_001330168.2, NM_001330169.2, NM_005981.5); short protein forms R246H.
Identifiers: ClinVar variation 485485 (VCV000485485.14), dbSNP rs372604524, ClinGen allele CA6657695.